The following is an entry in ClinVar:

ClinVar aggregate classification (germline): Conflicting classifications of pathogenicity. Review status: criteria provided, conflicting classifications (1 of 4 stars). 8 submissions from 7 submitters: Uncertain significance (3); Benign (2); Likely benign (3). Last evaluated 2025-12-23.

Conditions:
Inborn genetic diseases. Identifiers: MedGen C0950123, MeSH D030342.
Autosomal dominant centronuclear myopathy. Also called: MYOTUBULAR MYOPATHY, AUTOSOMAL DOMINANT; Myopathy, centronuclear, 3. Identifiers: Orphanet 169189, MedGen C4551952, MeSH D020914, MONDO:0008048, OMIM 160150.
Charcot-Marie-Tooth disease dominant intermediate B (CMTDIB). Also called: CHARCOT-MARIE-TOOTH NEUROPATHY, DOMINANT INTERMEDIATE B; Charcot-Marie-Tooth disease dominant intermediate 1; CMT DI1; Charcot-Marie-Tooth disease dominant intermediate I. Identifiers: Orphanet 100044, Orphanet 228179, MedGen C1847902, MONDO:0011674, OMIM 606482.
Fetal akinesia-cerebral and retinal hemorrhage syndrome. Also called: MYOPATHY, CENTRONUCLEAR, LETHAL, AUTOSOMAL RECESSIVE; Lethal congenital contracture syndrome 5. Identifiers: Orphanet 363409, MedGen C4706410, MONDO:0014149, OMIM 615368.

Allele frequency attached by ClinVar (database versions not stated): gnomAD exomes 0.00012 and 0.00027; ESP Exome Variant Server 0.00015; ExAC 0.00022; gnomAD 0.00022 and 0.00024; TOPMed 0.00026.
gnomAD v4.1: 223 of 1,613,904 alleles (0.014%); highest among the groups gnomAD compares: Middle Eastern, 0.28%; no homozygotes.

Submissions (8):

Labcorp Genetics (formerly Invitae), Labcorp
Classification: Likely benign for Charcot-Marie-Tooth disease dominant intermediate B. Last evaluated: 2025-12-23. Review status: criteria provided, single submitter. Criteria: Invitae Variant Classification Sherloc (09022015). Collection method: clinical testing. Allele origin: germline.

ARUP Laboratories, Molecular Genetics and Genomics, ARUP Laboratories
Classification: Uncertain significance. Last evaluated: 2024-05-16. Review status: criteria provided, single submitter. Criteria: ARUP Molecular Germline Variant Investigation Process 2024. Collection method: clinical testing. Allele origin: germline.
Comment: The DNM2 c.2179C>T; p.His727Tyr variant (rs142963320, ClinVar Variation ID: 327987) is reported in the literature in one individual affected with centronuclear myopathy (Kuperberg 2016). This variant is found in the general population with an overall allele frequency of 0.03% (74/282486 alleles) in the Genome Aggregation Database (v2.1.1). Computational analyses are uncertain whether this variant is neutral or deleterious (REVEL: 0.313). Due to limited information, the clinical significance of this variant is uncertain at this time. References: Kuperberg M et al. Utility of Whole Exome Sequencing for Genetic Diagnosis of Previously Undiagnosed Pediatric Neurology Patients. J Child Neurol. 2016 Dec;31(14):1534-1539. PMID: 27572814.

Mayo Clinic Laboratories, Mayo Clinic
Classification: Uncertain significance. Last evaluated: 2022-10-13. Review status: criteria provided, single submitter. Criteria: ACMG Guidelines, 2015. Collection method: clinical testing. Allele origin: germline. Observed: 3 variant alleles.

GeneDx
Classification: Benign. Last evaluated: 2021-02-18. Review status: criteria provided, single submitter. Criteria: GeneDx Variant Classification Process June 2021. Collection method: clinical testing. Allele origin: germline. Affected: yes.
Comment: This variant is associated with the following publications: (PMID: 27572814)

Ambry Genetics
Classification: Likely benign for Inborn genetic diseases. Last evaluated: 2020-03-19. Review status: criteria provided, single submitter. Criteria: Ambry Variant Classification Scheme 2023. Collection method: clinical testing. Allele origin: germline.

Fulgent Genetics
Classification: Uncertain significance for Autosomal dominant centronuclear myopathy; Charcot-Marie-Tooth disease dominant intermediate B; Fetal akinesia-cerebral and retinal hemorrhage syndrome. Last evaluated: 2018-10-31. Review status: criteria provided, single submitter. Criteria: ACMG Guidelines, 2015. Collection method: clinical testing. Allele origin: unknown.

Illumina Laboratory Services, Illumina
Classification: Likely benign for Autosomal dominant centronuclear myopathy. Last evaluated: 2018-01-12. Review status: criteria provided, single submitter. Criteria: ICSL Variant Classification Criteria 13 December 2019. Collection method: clinical testing. Allele origin: germline.
Comment: This variant was observed in the ICSL laboratory as part of a predisposition screen in an ostensibly healthy population. It had not been previously curated by ICSL or reported in the Human Gene Mutation Database (HGMD: prior to June 1st, 2018), and was therefore a candidate for classification through an automated scoring system. Utilizing variant allele frequency, disease prevalence and penetrance estimates, and inheritance mode, an automated score was calculated to assess if this variant is too frequent to cause the disease. Based on the score and internal cut-off values, a variant classified as likely benign is not then subjected to further curation. The score for this variant resulted in a classification of likely benign for this disease.

Illumina Laboratory Services, Illumina
Classification: Benign for Charcot-Marie-Tooth disease dominant intermediate B. Last evaluated: 2018-01-12. Review status: criteria provided, single submitter. Criteria: ICSL Variant Classification Criteria 13 December 2019. Collection method: clinical testing. Allele origin: germline.
Comment: This variant was observed in the ICSL laboratory as part of a predisposition screen in an ostensibly healthy population. It had not been previously curated by ICSL or reported in the Human Gene Mutation Database (HGMD: prior to June 1st, 2018), and was therefore a candidate for classification through an automated scoring system. Utilizing variant allele frequency, disease prevalence and penetrance estimates, and inheritance mode, an automated score was calculated to assess if this variant is too frequent to cause the disease. Based on the score and internal cut-off values, a variant classified as benign is not then subjected to further curation. The score for this variant resulted in a classification of benign for this disease.

Literature cited by the submitters: PubMed 27572814 (cited by Mayo Clinic Laboratories, Mayo Clinic).

NM_001005361.3(DNM2):c.2179C>T (p.His727Tyr)

Gene: DNM2 (dynamin 2; plus strand). Cytogenetic location: 19p13.2.
Variant type: single nucleotide variant.
Coding change: c.2179C>T on transcript NM_001005361.3 (MANE Select); coding-DNA position 2179, C replaced by T.
Protein change: p.His727Tyr; replaces histidine 727 with tyrosine.
Molecular consequence: missense variant.
Genome position (GRCh38, 1-based): chr19:10,829,156, C>T. VCF-style: chr19-10829156-C-T. GRCh37 (hg19) VCF-style: chr19-10939832-C-T.
Other names: c.2179C>T, p.His727Tyr (NM_001005360.3, NM_001190716.2); c.2167C>T, p.His723Tyr (NM_001005362.3, NM_004945.4); short protein forms H727Y, H723Y.
Identifiers: ClinVar variation 327987 (VCV000327987.28), dbSNP rs142963320, ClinGen allele CA9201542.